The following is an entry in ClinVar:

ClinVar aggregate classification (germline): Uncertain significance. Review status: criteria provided, multiple submitters, no conflicts (2 of 4 stars). 3 submissions from 3 submitters: Uncertain significance (3). Last evaluated 2026-04-08.

Conditions:
Osteogenesis imperfecta type I (OI1). Also called: OI, TYPE I; OSTEOGENESIS IMPERFECTA TARDA; OSTEOGENESIS IMPERFECTA WITH BLUE SCLERAE; Osteogenesis imperfecta type 1; Classic Non-deforming Osteogenesis Imperfecta with Blue Sclerae; Lobstein's Disease. Identifiers: Orphanet 216796, Orphanet 666, MedGen C0023931, MONDO:0008146, OMIM 166200. Disease mechanism: loss of function.
Ehlers-Danlos syndrome, classic type, 1 (EDSCL1). Also called: EHLERS-DANLOS SYNDROME, GRAVIS TYPE; EHLERS-DANLOS SYNDROME, SEVERE CLASSIC TYPE; EDS I; Ehlers-Danlos syndrome, type 1; Ehlers-Danlos Syndrome, Classic Type, COL5A1-Related. Identifiers: MedGen C0268335, MONDO:0019567, OMIM 130000.

Allele frequency attached by ClinVar (database versions not stated): ExAC 0.00001; gnomAD 0.00001; 1000 Genomes Project 30x 0.00031.
gnomAD v4.1: 10 of 1,586,686 alleles (0.00063%); highest among the groups gnomAD compares: South Asian, 0.011%; no homozygotes.

Submissions (3):

GeneDx
Classification: Uncertain significance. Last evaluated: 2026-04-08. Review status: criteria provided, single submitter. Criteria: GeneDx Variant Classification Process June 2021. Collection method: clinical testing. Allele origin: germline.
Comment: Not observed at significant frequency in large population cohorts (gnomAD); Has not been previously published as pathogenic or benign to our knowledge; In silico analysis suggests this variant may impact gene splicing. In the absence of RNA/functional studies, the actual effect of this sequence change is unknown.

Labcorp Genetics (formerly Invitae), Labcorp
Classification: Uncertain significance for Osteogenesis imperfecta type I; Ehlers-Danlos syndrome, classic type, 1. Last evaluated: 2025-12-16. Review status: criteria provided, single submitter. Criteria: Invitae Variant Classification Sherloc (09022015). Collection method: clinical testing. Allele origin: germline.
Comment: This sequence change falls in intron 6 of the COL1A2 gene. It does not directly change the encoded amino acid sequence of the COL1A2 protein. It affects a nucleotide within the consensus splice site. This variant is present in population databases (rs762201938, gnomAD 0.007%). This variant has not been reported in the literature in individuals affected with COL1A2-related conditions. ClinVar contains an entry for this variant (Variation ID: 2928771). Variants that disrupt the consensus splice site are a relatively common cause of aberrant splicing (PMID: 17576681, 9536098). Algorithms developed to predict the effect of sequence changes on RNA splicing suggest that this variant may disrupt the consensus splice site. In summary, the available evidence is currently insufficient to determine the role of this variant in disease. Therefore, it has been classified as a Variant of Uncertain Significance.

Blueprint Genetics
Classification: Uncertain significance. Last evaluated: 2021-09-06. Review status: criteria provided, single submitter. Criteria: ACMG Guidelines, 2015. Collection method: clinical testing. Allele origin: germline.

Literature cited by the submitters: PubMed 17576681 (cited by Labcorp Genetics (formerly Invitae), Labcorp); PubMed 9536098 (cited by Labcorp Genetics (formerly Invitae), Labcorp).

NM_000089.4(COL1A2):c.279+3A>G

Gene: COL1A2 (collagen type I alpha 2 chain; plus strand). Cytogenetic location: 7q21.3.
Variant type: single nucleotide variant.
Coding change: c.279+3A>G on transcript NM_000089.4 (MANE Select); 3 bases into the intron after coding-DNA position 279, A replaced by G.
Molecular consequence: intron variant.
Genome position (GRCh38, 1-based): chr7:94,401,623, A>G. VCF-style: chr7-94401623-A-G. GRCh37 (hg19) VCF-style: chr7-94030935-A-G.
Identifiers: ClinVar variation 2928771 (VCV002928771.6), dbSNP rs762201938, ClinGen allele CA4346593.
Genomic context (GRCh38, chr7:94,401,623, plus strand): 5'-CTAGAACTTTGCTGCTCAGTATGATGGAAAAGGAGTTGGACTTGGCCCTGGACCAATGGT[A>G]TGCTTATCTGTTTATCTTAGCCAAAAAAATTGCTAAATAAATCATTCATTTTATGTCACA-3'